The following is an entry in ClinVar:

ClinVar aggregate classification (germline): Pathogenic (1 of 4 stars; one submission).

Conditions:
Ethylmalonic encephalopathy (EE). Also called: Syndrome of encephalopathy, petechiae, and ethylmalonic aciduria; EPEMA syndrome; Encephalopathy, petechiae, and ethylmalonic aciduria. Identifiers: Orphanet 51188, MedGen C1865349, MONDO:0011229, OMIM 602473. Disease mechanism: loss of function.

Submission:

Labcorp Genetics (formerly Invitae), Labcorp
Classification: Pathogenic for Ethylmalonic encephalopathy. Last evaluated: 2024-01-09. Review status: criteria provided, single submitter. Criteria: Invitae Variant Classification Sherloc (09022015). Collection method: clinical testing. Allele origin: unknown.
Comment: This variant results in the deletion of exons 5-6 and part of exon 7 (c.505+690_723del) of the ETHE1 gene. While this variant is not anticipated to result in nonsense mediated decay, it likely alters RNA splicing and results in a disrupted protein product. This variant has not been reported in the literature in individuals affected with ETHE1-related conditions. Variants that disrupt the consensus splice site are a relatively common cause of aberrant splicing (PMID: 17576681, 9536098). This variant disrupts a region of the ETHE1 protein in which other variant(s) (p.Leu185Arg) have been determined to be pathogenic (PMID: 14732903, 19289697, 20528888, 27830356). This suggests that this is a clinically significant region of the protein, and that variants that disrupt it are likely to be disease-causing. For these reasons, this variant has been classified as Pathogenic.

Literature cited by the submitters: PubMed 17576681; PubMed 9536098; PubMed 14732903; PubMed 19289697; PubMed 20528888; PubMed 27830356.

NC_000019.9:g.(?_44011044)_(44014899_?)del

Gene: ETHE1 (ETHE1 persulfide dioxygenase; minus strand). Cytogenetic location: 19q13.31.
Variant type: Deletion.
Identifiers: ClinVar variation 3248453 (VCV003248453.1).